The following is an entry in ClinVar:

NM_000484.4(APP):c.413A>G (p.Gln138Arg)

Gene: APP (amyloid beta precursor protein; minus strand). Cytogenetic location: 21q21.3.
Variant type: single nucleotide variant.
Coding change: c.413A>G on transcript NM_000484.4 (MANE Select); coding-DNA position 413, A replaced by G.
Protein change: p.Gln138Arg; replaces glutamine 138 with arginine.
Molecular consequence: missense variant.
Genome position (GRCh38, 1-based): chr21:26,053,291, T>C on the plus strand (A>G on the coding strand, the complement: APP is on the minus strand). VCF-style: chr21-26053291-T-C. GRCh37 (hg19) VCF-style: chr21-27425607-T-C.
Other names: c.398A>G, p.Gln133Arg (NM_001136016.3); c.245A>G, p.Gln82Arg (NM_001136129.3, NM_001136130.3); c.308A>G, p.Gln103Arg (NM_001136131.3); c.413A>G, p.Gln138Arg (NM_001204301.2, NM_001204302.2, NM_001204303.2 and 3 more transcripts); short protein forms Q103R, Q133R, Q138R, Q82R.
Identifiers: ClinVar variation 3358540 (VCV003358540.1).

ClinVar aggregate classification (germline): Uncertain significance (0 of 4 stars; one submission).

Conditions:
APP-related disorder. Also called: APP-related condition.

gnomAD v4.1: 26 of 1,613,904 alleles (0.0016%); highest among the groups gnomAD compares: Non-Finnish European, 0.0022%; no homozygotes.

Submission:

PreventionGenetics, part of Exact Sciences
Classification: Uncertain significance for APP-related condition. Last evaluated: 2024-09-17. Review status: no assertion criteria provided. Collection method: clinical testing. Allele origin: germline.
Comment: The APP c.413A>G variant is predicted to result in the amino acid substitution p.Gln138Arg. To our knowledge, this variant has not been reported in the literature. This variant is reported in 0.0065% of alleles in individuals of European (Non-Finnish) descent in gnomAD. At this time, the clinical significance of this variant is uncertain due to the absence of conclusive functional and genetic evidence.